The following is an entry in ClinVar:

ClinVar aggregate classification (germline): Likely benign (1 of 4 stars; one submission).

gnomAD v4.1: 3 of 1,611,126 alleles (0.00019%); highest among the groups gnomAD compares: Middle Eastern, 0.016%; no homozygotes.

Submission:

CeGaT Center for Human Genetics Tuebingen
Classification: Likely benign. Last evaluated: 2026-02-01. Review status: criteria provided, single submitter. Criteria: CeGaT Center For Human Genetics Tuebingen Variant Classification Criteria Version 2. Collection method: clinical testing. Allele origin: germline. Affected: yes. Observed: 1 variant allele.
Comment: KMT2B: BP4, BP7

NM_014727.3(KMT2B):c.3709C>T (p.Leu1237=)

Gene: KMT2B (lysine methyltransferase 2B; plus strand). Cytogenetic location: 19q13.12.
Variant type: single nucleotide variant.
Coding change: c.3709C>T on transcript NM_014727.3 (MANE Select); coding-DNA position 3709, C replaced by T.
Protein change: p.Leu1237=; no amino-acid change (leucine 1237 retained).
Molecular consequence: synonymous variant.
Genome position (GRCh38, 1-based): chr19:35,725,545, C>T. VCF-style: chr19-35725545-C-T. GRCh37 (hg19) VCF-style: chr19-36216446-C-T.
Identifiers: ClinVar variation 4821160 (VCV004821160.4).